The following is an entry in ClinVar:

NM_024747.6(HPS6):c.157G>A (p.Ala53Thr)

Genes: HPS6 (HPS6 biogenesis of lysosomal organelles complex 2 subunit 3; plus strand), LOC130004578 (ATAC-STARR-seq lymphoblastoid silent region 2738; plus strand). Cytogenetic location: 10q24.32.
Variant type: single nucleotide variant.
Coding change: c.157G>A on transcript NM_024747.6 (MANE Select); coding-DNA position 157, G replaced by A.
Protein change: p.Ala53Thr; replaces alanine 53 with threonine.
Molecular consequence: missense variant.
Genome position (GRCh38, 1-based): chr10:102,065,631, G>A. VCF-style: chr10-102065631-G-A. GRCh37 (hg19) VCF-style: chr10-103825388-G-A.
Other names: short protein forms A53T.
Identifiers: ClinVar variation 1004793 (VCV001004793.6), dbSNP rs2067962181, ClinGen allele CA377854941.

ClinVar aggregate classification (germline): Uncertain significance (1 of 4 stars; one submission).

Allele frequency attached by ClinVar (database versions not stated): TOPMed below 0.00001.

Submission:

Labcorp Genetics (formerly Invitae), Labcorp
Classification: Uncertain significance. Last evaluated: 2022-07-06. Review status: criteria provided, single submitter. Criteria: Invitae Variant Classification Sherloc (09022015). Collection method: clinical testing. Allele origin: germline.
Comment: This sequence change replaces alanine, which is neutral and non-polar, with threonine, which is neutral and polar, at codon 53 of the HPS6 protein (p.Ala53Thr). This variant is not present in population databases (gnomAD no frequency). This variant has not been reported in the literature in individuals affected with HPS6-related conditions. ClinVar contains an entry for this variant (Variation ID: 1004793). Algorithms developed to predict the effect of missense changes on protein structure and function output the following: SIFT: "Deleterious"; PolyPhen-2: "Benign"; Align-GVGD: "Class C0". The threonine amino acid residue is found in multiple mammalian species, which suggests that this missense change does not adversely affect protein function. In summary, the available evidence is currently insufficient to determine the role of this variant in disease. Therefore, it has been classified as a Variant of Uncertain Significance.